The following is an entry in ClinVar:

ClinVar aggregate classification (germline): Uncertain significance (1 of 4 stars; one submission).

Conditions:
Charcot-Marie-Tooth disease type 4. Also called: Charcot-Marie-Tooth disease, type IV; Charcot-Marie-Tooth, Type 4. Identifiers: Orphanet 64749, MedGen C4082197, MONDO:0018995.

Allele frequency attached by ClinVar (database versions not stated): gnomAD exomes below 0.00001; TOPMed below 0.00001.
gnomAD v4.1: 10 of 1,613,884 alleles (0.00062%); highest among the groups gnomAD compares: Non-Finnish European, 0.00076%; no homozygotes.

Submission:

Labcorp Genetics (formerly Invitae), Labcorp
Classification: Uncertain significance for Charcot-Marie-Tooth disease type 4. Last evaluated: 2022-07-15. Review status: criteria provided, single submitter. Criteria: Invitae Variant Classification Sherloc (09022015). Collection method: clinical testing. Allele origin: germline.
Comment: In summary, the available evidence is currently insufficient to determine the role of this variant in disease. Therefore, it has been classified as a Variant of Uncertain Significance. Algorithms developed to predict the effect of missense changes on protein structure and function output the following: SIFT: "Tolerated"; PolyPhen-2: "Benign"; Align-GVGD: "Class C0". The aspartic acid amino acid residue is found in multiple mammalian species, which suggests that this missense change does not adversely affect protein function. ClinVar contains an entry for this variant (Variation ID: 1350290). This variant has not been reported in the literature in individuals affected with SBF2-related conditions. This variant is not present in population databases (gnomAD no frequency). This sequence change replaces glutamic acid, which is acidic and polar, with aspartic acid, which is acidic and polar, at codon 89 of the SBF2 protein (p.Glu89Asp).

NM_030962.4(SBF2):c.267G>T (p.Glu89Asp)

Gene: SBF2 (SET binding factor 2; minus strand). Cytogenetic location: 11p15.4.
Variant type: single nucleotide variant.
Coding change: c.267G>T on transcript NM_030962.4 (MANE Select); coding-DNA position 267, G replaced by T.
Protein change: p.Glu89Asp; replaces glutamic acid 89 with aspartic acid.
Molecular consequence: missense variant.
Genome position (GRCh38, 1-based): chr11:10,042,856, C>A on the plus strand (G>T on the coding strand, the complement: SBF2 is on the minus strand). VCF-style: chr11-10042856-C-A. GRCh37 (hg19) VCF-style: chr11-10064403-C-A.
Other names: c.267G>T, p.Glu89Asp (NM_001386339.1, NM_001386342.1); short protein forms E89D.
Identifiers: ClinVar variation 1350290 (VCV001350290.6), dbSNP rs1565165888, ClinGen allele CA379643814.
Genomic context (GRCh38, chr11:10,042,856, plus strand): 5'-TAAATGTTGTACCTTCGACTGTACTTTAGCTAGTAAAGGTTTTTGTACCTGAAGATTGAT[C>A]TCTGCCTCATAGAAGGTTAGGCATGAGCAGTAATGTCGATCTGAGTCAATGTCTGTCAGG-3'
Protein context (NP_112224.1, residues 79-99): YCSCLTFYEA[Glu89Asp]INLQGTKKEE